The following is an entry in ClinVar:

ClinVar aggregate classification (germline): Uncertain significance (1 of 4 stars; one submission).

Allele frequency attached by ClinVar (database versions not stated): TOPMed below 0.00001.
gnomAD v4.1: 6 of 1,551,498 alleles (0.00039%); highest among the groups gnomAD compares: African/African-American, 0.0014%; no homozygotes.

Submission:

Labcorp Genetics (formerly Invitae), Labcorp
Classification: Uncertain significance. Last evaluated: 2023-04-15. Review status: criteria provided, single submitter. Criteria: Invitae Variant Classification Sherloc (09022015). Collection method: clinical testing. Allele origin: germline.
Comment: In summary, the available evidence is currently insufficient to determine the role of this variant in disease. Therefore, it has been classified as a Variant of Uncertain Significance. Algorithms developed to predict the effect of missense changes on protein structure and function output the following: SIFT: "Not Available"; PolyPhen-2: "Benign"; Align-GVGD: "Not Available". The valine amino acid residue is found in multiple mammalian species, which suggests that this missense change does not adversely affect protein function. This variant has not been reported in the literature in individuals affected with FAM65B-related conditions. This variant is not present in population databases (gnomAD no frequency). This sequence change replaces alanine, which is neutral and non-polar, with valine, which is neutral and non-polar, at codon 831 of the FAM65B protein (p.Ala831Val).

NM_001286445.3(RIPOR2):c.2429C>T (p.Ala810Val)

Gene: RIPOR2 (RHO family interacting cell polarization regulator 2; minus strand). Cytogenetic location: 6p22.3.
Variant type: single nucleotide variant.
Coding change: c.2429C>T on transcript NM_001286445.3 (MANE Select); coding-DNA position 2429, C replaced by T.
Protein change: p.Ala810Val; replaces alanine 810 with valine.
Molecular consequence: missense variant.
Genome position (GRCh38, 1-based): chr6:24,830,586, G>A on the plus strand (C>T on the coding strand, the complement: RIPOR2 is on the minus strand). VCF-style: chr6-24830586-G-A. GRCh37 (hg19) VCF-style: chr6-24830814-G-A.
Other names: c.2342C>T, p.Ala781Val (NM_001346031.2, NM_001346032.2); c.2492C>T, p.Ala831Val (NM_014722.5); short protein forms A781V, A831V, A810V.
Identifiers: ClinVar variation 2974038 (VCV002974038.3), dbSNP rs1252786981, ClinGen allele CA362990164.
Genomic context (GRCh38, chr6:24,830,586, plus strand): 5'-GGATATTCTTTGTTGACAGTTCTGGCAAAGCTGGCCTCCAGCTGCTTCATCACTCTGTCC[G>A]CTGGGCTGTGGTAGACACCAACAGGGCTGCAGCACTTGGTCCAGAATGACAGCAAAGACA-3'
Protein context (NP_001273374.1, residues 800-820): CSPVGVYHSP[Ala810Val]DRVMKQLEAS